The following is an entry in ClinVar:

NM_004706.4(ARHGEF1):c.2320C>T (p.Arg774Trp)

Gene: ARHGEF1 (Rho guanine nucleotide exchange factor 1; plus strand). Cytogenetic location: 19q13.2.
Variant type: single nucleotide variant.
Coding change: c.2320C>T on transcript NM_004706.4 (MANE Select); coding-DNA position 2320, C replaced by T.
Protein change: p.Arg774Trp; replaces arginine 774 with tryptophan.
Molecular consequence: missense variant. On other transcripts: non-coding transcript variant (1).
Genome position (GRCh38, 1-based): chr19:41,905,245, C>T. VCF-style: chr19-41905245-C-T. GRCh37 (hg19) VCF-style: chr19-42409397-C-T.
Other names: c.2320C>T, p.Arg774Trp (NM_001396003.1, NM_001396006.1); c.2221C>T, p.Arg741Trp (NM_001396004.1, NM_198977.2, NM_001396002.1); c.2365C>T, p.Arg789Trp (NM_199002.2); c.2488C>T, p.Arg830Trp (NM_001396000.1); short protein forms R789W, R774W, R830W, R741W.
Identifiers: ClinVar variation 2992034 (VCV002992034.3), dbSNP rs1393826384, ClinGen allele CA406065811.

ClinVar aggregate classification (germline): Uncertain significance (1 of 4 stars; one submission).

Allele frequency attached by ClinVar (database versions not stated): gnomAD 0.00001; gnomAD exomes 0.00001; TOPMed 0.00002.
gnomAD v4.1: 9 of 1,613,374 alleles (0.00056%); highest among the groups gnomAD compares: Admixed American, 0.0033%; no homozygotes.

Submission:

Labcorp Genetics (formerly Invitae), Labcorp
Classification: Uncertain significance. Last evaluated: 2024-09-03. Review status: criteria provided, single submitter. Criteria: Invitae Variant Classification Sherloc (09022015). Collection method: clinical testing. Allele origin: germline.
Comment: This sequence change replaces arginine, which is basic and polar, with tryptophan, which is neutral and slightly polar, at codon 789 of the ARHGEF1 protein (p.Arg789Trp). This variant is present in population databases (no rsID available, gnomAD 0.003%). This variant has not been reported in the literature in individuals affected with ARHGEF1-related conditions. An algorithm developed to predict the effect of missense changes on protein structure and function (PolyPhen-2) suggests that this variant is likely to be disruptive. In summary, the available evidence is currently insufficient to determine the role of this variant in disease. Therefore, it has been classified as a Variant of Uncertain Significance.